The following is an entry in ClinVar:

ClinVar aggregate classification (germline): Benign/Likely benign. Review status: criteria provided, multiple submitters, no conflicts (2 of 4 stars). 10 submissions from 10 submitters: Benign (1); Likely benign (9). Last evaluated 2025-11-01.

Conditions:
Hereditary cancer-predisposing syndrome. Also called: Tumor predisposition; Neoplastic Syndromes, Hereditary; Hereditary Cancer Syndrome; Hereditary neoplastic syndrome. Identifiers: Orphanet 140162, MedGen C0027672, MeSH D009386, MONDO:0015356.
Peutz-Jeghers syndrome (PJS). Also called: Peutz-Jeghers polyposis; Periorificial lentiginosis syndrome; POLYPOSIS, HAMARTOMATOUS INTESTINAL; POLYPS-AND-SPOTS SYNDROME. Identifiers: Orphanet 2869, MedGen C0031269, MeSH D010580, MONDO:0008280, OMIM 175200.

Allele frequency attached by ClinVar (database versions not stated): gnomAD exomes 0.00002; ExAC 0.00004.
gnomAD v4.1: 13 of 1,612,560 alleles (0.00081%); highest among the groups gnomAD compares: Non-Finnish European, 0.001%; no homozygotes.

Submissions (10):

CeGaT Center for Human Genetics Tuebingen
Classification: Likely benign. Last evaluated: 2025-11-01. Review status: criteria provided, single submitter. Criteria: CeGaT Center For Human Genetics Tuebingen Variant Classification Criteria Version 2. Collection method: clinical testing. Allele origin: germline. Affected: yes. Observed: 1 variant allele.
Comment: STK11: BP4, BP7

Labcorp Genetics (formerly Invitae), Labcorp
Classification: Likely benign for Peutz-Jeghers syndrome. Last evaluated: 2025-10-18. Review status: criteria provided, single submitter. Criteria: Invitae Variant Classification Sherloc (09022015). Collection method: clinical testing. Allele origin: germline.

Myriad Genetics, Inc.
Classification: Benign for Peutz-Jeghers syndrome. Last evaluated: 2025-03-27. Review status: criteria provided, single submitter. Criteria: Myriad Autosomal Dominant, Autosomal Recessive and X-Linked Classification Criteria (2023). Collection method: clinical testing. Allele origin: unknown.
Comment: This variant is considered benign. This variant is a silent/synonymous amino acid change and it is not expected to impact splicing.

All of Us Research Program, National Institutes of Health
Classification: Likely benign for Peutz-Jeghers syndrome. Last evaluated: 2024-05-14. Review status: criteria provided, single submitter. Criteria: ACMG Guidelines, 2015. Collection method: clinical testing. Allele origin: germline. Inheritance: Autosomal dominant inheritance. Observed: 4 variant alleles, 4 heterozygotes.
Comment: This study involves interpretation of variants in research participants for the purpose of population health screening. Participant phenotype was not available at the time of variant classification. Additional details can be found in publication PMID: 35346344, PMCID: PMC8962531

Department of Pathology and Laboratory Medicine, Sinai Health System
Classification: Likely benign for Peutz-Jeghers syndrome. Last evaluated: 2023-06-19. Review status: criteria provided, single submitter. Criteria: ACMG Guidelines, 2015. Collection method: clinical testing. Allele origin: germline. Affected: yes.

Quest Diagnostics Nichols Institute San Juan Capistrano
Classification: Likely benign. Last evaluated: 2023-02-09. Review status: criteria provided, single submitter. Criteria: Quest Diagnostics criteria. Collection method: clinical testing. Allele origin: unknown.

Sema4
Classification: Likely benign for Hereditary cancer-predisposing syndrome. Last evaluated: 2022-02-04. Review status: criteria provided, single submitter. Criteria: Sema4 Curation Guidelines. Collection method: curation. Allele origin: germline.

GeneDx
Classification: Likely benign. Last evaluated: 2016-08-22. Review status: criteria provided, single submitter. Criteria: GeneDx Variant Classification (06012015). Collection method: clinical testing. Allele origin: germline. Affected: yes.
Comment: This variant is considered likely benign or benign based on one or more of the following criteria: it is a conservative change, it occurs at a poorly conserved position in the protein, it is predicted to be benign by multiple in silico algorithms, and/or has population frequency not consistent with disease.

Ambry Genetics
Classification: Likely benign for Hereditary cancer-predisposing syndrome. Last evaluated: 2016-06-21. Review status: criteria provided, single submitter. Criteria: Ambry Variant Classification Scheme 2023. Collection method: clinical testing. Allele origin: germline.

Color Diagnostics, LLC DBA Color Health
Classification: Likely benign for Hereditary cancer-predisposing syndrome. Last evaluated: 2015-06-09. Review status: criteria provided, single submitter. Criteria: ACMG Guidelines, 2015. Collection method: clinical testing. Allele origin: germline.

NM_000455.5(STK11):c.771G>A (p.Gly257=)

Gene: STK11 (serine/threonine kinase 11; plus strand). Cytogenetic location: 19p13.3.
Variant type: single nucleotide variant.
Coding change: c.771G>A on transcript NM_000455.5 (MANE Select); coding-DNA position 771, G replaced by A.
Protein change: p.Gly257=; no amino-acid change (glycine 257 retained).
Molecular consequence: synonymous variant.
Genome position (GRCh38, 1-based): chr19:1,221,249, G>A. VCF-style: chr19-1221249-G-A. GRCh37 (hg19) VCF-style: chr19-1221248-G-A.
Identifiers: ClinVar variation 184479 (VCV000184479.31), dbSNP rs777998890, ClinGen allele CA023271.